The following is an entry in ClinVar:

ClinVar aggregate classification (germline): Uncertain significance (1 of 4 stars; one submission).

Submission:

Labcorp Genetics (formerly Invitae), Labcorp
Classification: Uncertain significance. Last evaluated: 2023-02-21. Review status: criteria provided, single submitter. Criteria: Invitae Variant Classification Sherloc (09022015). Collection method: clinical testing. Allele origin: germline.
Comment: This variant has not been reported in the literature in individuals affected with DHX32-related conditions. In summary, the available evidence is currently insufficient to determine the role of this variant in disease. Therefore, it has been classified as a Variant of Uncertain Significance. An algorithm developed to predict the effect of missense changes on protein structure and function (PolyPhen-2) suggests that this variant is likely to be disruptive. This variant is not present in population databases (gnomAD no frequency). This sequence change replaces cysteine, which is neutral and slightly polar, with serine, which is neutral and polar, at codon 740 of the DHX32 protein (p.Cys740Ser).

NM_018180.3(DHX32):c.2218T>A (p.Cys740Ser)

Genes: BCCIP (BRCA2 and CDKN1A interacting protein; plus strand), DHX32 (DEAH-box helicase 32 (putative); minus strand). Cytogenetic location: 10q26.2.
Variant type: single nucleotide variant.
Coding change: c.2218T>A on transcript NM_018180.3 (MANE Select); coding-DNA position 2218, T replaced by A.
Protein change: p.Cys740Ser; replaces cysteine 740 with serine.
Molecular consequence: missense variant. On other transcripts: intron variant (2).
Genome position (GRCh38, 1-based): chr10:125,836,701, A>T on the plus strand (T>A on the coding strand, the complement: DHX32 is on the minus strand). VCF-style: chr10-125836701-A-T. GRCh37 (hg19) VCF-style: chr10-127525270-A-T.
Other names: c.774+2755A>T (NM_016567.4, NM_078469.3); short protein forms C740S.
Identifiers: ClinVar variation 2818929 (VCV002818929.3), dbSNP rs2494359012, ClinGen allele CA378671014.
Genomic context (GRCh38, chr10:125,836,701, plus strand): 5'-TCCAGCTACCTTTGGGACCCTGCTGCACCTTGTGTTTGCTGGGGAGTCACTGGAGAGTGC[A>T]TCTCTGTTCAGTTTCAGGGCACGTCTCACACATTTGCTGTTCCTTATTCATTGTTGACAC-3'
Protein context (NP_060650.2, residues 730-743): CETCPETEQR[Cys740Ser]TLQ